The following is an entry in ClinVar:

NC_000015.9:g.(?_48791162)_(48791255_?)del

Gene: FBN1 (fibrillin 1; minus strand). Cytogenetic location: 15q21.1.
Variant type: Deletion.
Identifiers: ClinVar variation 2422438 (VCV002422438.4).

ClinVar aggregate classification (germline): Pathogenic (1 of 4 stars; one submission).

Conditions:
Marfan syndrome (MFS). Also called: MARFAN SYNDROME, TYPE I; FBN1-Related Marfan Syndrome; Marfan syndrome type 1; Marfan's syndrome; Marfan syndrome, classic. Identifiers: Orphanet 284963, Orphanet 558, MedGen C0024796, MONDO:0007947, OMIM 154700.
Familial thoracic aortic aneurysm and aortic dissection (TAAD). Also called: Thoracic aortic aneurysms and dissections. Identifiers: Orphanet 91387, MedGen C4707243, MONDO:0019625.

Submission:

Labcorp Genetics (formerly Invitae), Labcorp
Classification: Pathogenic for Marfan syndrome; Familial thoracic aortic aneurysm and aortic dissection. Last evaluated: 2022-08-21. Review status: criteria provided, single submitter. Criteria: Invitae Variant Classification Sherloc (09022015). Collection method: clinical testing. Allele origin: germline.
Comment: For these reasons, this variant has been classified as Pathogenic. This variant affects a cysteine residue in the EGF-like, TGFBP or hybrid motif domains of FBN1. Cysteine residues are believed to be involved in intramolecular disulfide bridges and have been shown to be important for FBN1 protein structure (PMID: 16905551, 19349279). In addition, missense substitutions affecting cysteine residues within these domains are significantly overrepresented among patients with Marfan syndrome (PMID: 16571647, 17701892). This variant has not been reported in the literature in individuals affected with FBN1-related conditions. This variant is a gross deletion of the genomic region encompassing exon(s) 18 of the FBN1 gene. This variant would be expected to be in-frame, preserving the integrity of the reading frame.

Literature cited by the submitters: PubMed 16905551; PubMed 19349279; PubMed 16571647; PubMed 17701892.